The following is an entry in ClinVar:

NM_000203.5(IDUA):c.806C>G (p.Ser269Cys)

Gene: IDUA (alpha-L-iduronidase; plus strand). Cytogenetic location: 4p16.3.
Variant type: single nucleotide variant.
Coding change: c.806C>G on transcript NM_000203.5 (MANE Select); coding-DNA position 806, C replaced by G.
Protein change: p.Ser269Cys; replaces serine 269 with cysteine.
Molecular consequence: missense variant. On other transcripts: non-coding transcript variant (1).
Genome position (GRCh38, 1-based): chr4:1,001,995, C>G. VCF-style: chr4-1001995-C-G. GRCh37 (hg19) VCF-style: chr4-995783-C-G.
Other names: c.410C>G, p.Ser137Cys (NM_001363576.1); short protein forms S137C, S269C.
Identifiers: ClinVar variation 905910 (VCV000905910.20), dbSNP rs202051939, ClinGen allele CA2802100.
Genomic context (GRCh38, chr4:1,001,995, plus strand): 5'-CCCGGGCCGCGCTGACCCTGGTGGTGCTGAGGCGGCCCCGCCCGCAGGGTGCGCGCAGCT[C>G]CATCTCCATCCTGGAGCAGGAGAAGGTCGTCGCGCAGCAGATCCGGCAGCTCTTCCCCAA-3'
Protein context (NP_000194.2, residues 259-279): ISLHRKGARS[Ser269Cys]ISILEQEKVV

ClinVar aggregate classification (germline): Uncertain significance. Review status: criteria provided, multiple submitters, no conflicts (2 of 4 stars). 10 submissions from 10 submitters: Uncertain significance (9). 1 of the submissions does not count toward it. Last evaluated 2026-04-28.

Conditions:
IDUA-related disorder. Also called: IDUA-related condition.
Mucopolysaccharidosis type 1. Also called: IDUA deficiency; MPS I; Mucopolysaccharidosis Type I. Identifiers: Orphanet 579, MedGen C0023786, MONDO:0001586.
Mucopolysaccharidosis. Also called: Mucopolysaccharidoses. Identifiers: Orphanet 79213, MedGen C0026703, MeSH D009083, MONDO:0019249.
Mucopolysaccharidosis, MPS-I-S. Also called: MUCOPOLYSACCHARIDOSIS TYPE IS; MPS V; MUCOPOLYSACCHARIDOSIS TYPE V; Scheie Syndrome. Identifiers: Orphanet 93474, MedGen C0026708, MONDO:0011760, OMIM 607016.
Hurler syndrome. Also called: MUCOPOLYSACCHARIDOSIS TYPE IH; Gargoylism, Hurler Syndrome; Severe MPS I (Hurler Syndrome). Identifiers: Orphanet 93473, MedGen C0086795, MONDO:0011758, OMIM 607014.
Mucopolysaccharidosis, MPS-I-H/S. Also called: Mucopolysaccharidosis type IH/S. Identifiers: Orphanet 93476, MedGen C0086431, MONDO:0011759, OMIM 607015.

Allele frequency attached by ClinVar (database versions not stated): ESP Exome Variant Server 0.00016; gnomAD 0.00025 and 0.00026; TOPMed 0.00026; 1000 Genomes Project 30x 0.00031; 1000 Genomes Project 0.00040; ExAC 0.00075.
gnomAD v4.1: 491 of 1,588,364 alleles (0.031%); highest among the groups gnomAD compares: South Asian, 0.08%; no homozygotes.

Submissions (10):

PreventionGenetics, part of Exact Sciences
Classification: Uncertain significance for IDUA-related condition. Last evaluated: 2026-04-28. Review status: criteria provided, single submitter. Criteria: ACMG Guidelines, 2015. Collection method: clinical testing. Allele origin: germline.
Comment: The IDUA c.806C>G variant is predicted to result in the amino acid substitution p.Ser269Cys. This variant has been reported in an individual with bilateral topographic keratoconus (González-Atienza et al. 2023. PubMed ID: 37895187) and in the compound heterozygous state in a fetus with non-immune hydrops fetalis; however, this fetus also harbored a homozygous pathogenic SUMF1 variant, definitive for a diagnosis of multiple sulfatase deficiency (Al-Kouatly et al. 2021. PubMed ID: 33686258). This variant is reported in 0.081% of alleles in individuals of South Asian descent in gnomAD, and is interpreted as uncertain in the ClinVar database (Variation ID: 905910). At this time, the clinical significance of this variant is uncertain due to the absence of conclusive functional and genetic evidence.

Labcorp Genetics (formerly Invitae), Labcorp
Classification: Uncertain significance for Mucopolysaccharidosis type 1. Last evaluated: 2026-02-02. Review status: criteria provided, single submitter. Criteria: Invitae Variant Classification Sherloc (09022015). Collection method: clinical testing. Allele origin: germline.
Comment: This sequence change replaces serine, which is neutral and polar, with cysteine, which is neutral and slightly polar, at codon 269 of the IDUA protein (p.Ser269Cys). This variant is present in population databases (rs202051939, gnomAD 0.07%). This missense change has been observed in individual(s) with clinical features of IDUA-related conditions (PMID: 33073008, 37895187). ClinVar contains an entry for this variant (Variation ID: 905910). Invitae Evidence Modeling of protein sequence and biophysical properties (such as structural, functional, and spatial information, amino acid conservation, physicochemical variation, residue mobility, and thermodynamic stability) indicates that this missense variant is expected to disrupt IDUA protein function with a positive predictive value of 80%. In summary, the available evidence is currently insufficient to determine the role of this variant in disease. Therefore, it has been classified as a Variant of Uncertain Significance.

Blueprint Genetics
Classification: Uncertain significance. Last evaluated: 2024-05-20. Review status: criteria provided, single submitter. Criteria: ACMG Guidelines, 2015. Collection method: clinical testing. Allele origin: germline.

Johns Hopkins Genomics, Johns Hopkins University
Classification: Uncertain significance for Mucopolysaccharidosis. Last evaluated: 2024-04-08. Review status: criteria provided, single submitter. Criteria: ACMG Guidelines, 2015. Collection method: clinical testing. Allele origin: germline.
Comment: We did not identify any publications reporting this IDUA missense variant either in the compound heterozygous or homozygous state in individuals with a diagnosis of mucopolysaccharidosis (MPS) type I. IDUA c.806G>C has however been reported in the homozygous state along with a known pathogenic homozygous variant in GALNS (associated with MPS IVA), in a patient whose clinical features were reported as being in favor of MPS IV. This suggests that c.806G>C in IDUA may be benign, but the reported patient also had a single enzyme assay on dried blood spot suggestive of MPS I, and did not undergo confirmatory studies of IDUA enzyme and glycosaminoglycan levels to establish the presence or absence of MPS I in addition to MPS IV. This IDUA variant (rs202051939) is rare (<0.1%) in a large population dataset (gnomAD v4.0.0: 491/1588364 total alleles; 0.03%; no homozygotes), and has been reported in ClinVar (Variation ID 905910). Two bioinformatic tools queried predict that this substitution would be damaging, and the serine residue at this position is evolutionarily conserved across many of the species assessed. We consider the clinical significance of c.806C>G in IDUA to be uncertain at this time.

Fulgent Genetics
Classification: Uncertain significance for Hurler syndrome; Mucopolysaccharidosis, MPS-I-H/S; Mucopolysaccharidosis, MPS-I-S. Last evaluated: 2024-01-19. Review status: criteria provided, single submitter. Criteria: ACMG Guidelines, 2015. Collection method: clinical testing. Allele origin: germline.

Revvity Omics, Revvity
Classification: Uncertain significance. Last evaluated: 2022-09-12. Review status: criteria provided, single submitter. Criteria: ACMG Guidelines, 2015. Collection method: clinical testing. Allele origin: germline.

Women's Health and Genetics/Laboratory Corporation of America, LabCorp
Classification: Uncertain significance. Last evaluated: 2021-04-15. Review status: criteria provided, single submitter. Criteria: LabCorp Variant Classification Summary - May 2015. Collection method: clinical testing. Allele origin: germline.
Comment: Variant summary: IDUA c.806C>G (p.Ser269Cys) results in a non-conservative amino acid change in the encoded protein sequence. Five of five in-silico tools predict a damaging effect of the variant on protein function. The variant allele was found at a frequency of 0.00037 in 203588 control chromosomes (gnomAD). This frequency is not higher than expected for a pathogenic variant in IDUA causing Mucopolysaccharidosis Type 1 (0.00037 vs 0.0027), allowing no conclusion about variant significance. c.806C>G has been reported in the literature in compound heterozygosity with IDUA c.757G>T (p.Gly253Cys) in a prenatal case of Nonimmune hydrops fetalis. A homozygous occurrence of SUMF1 c.691dupT (p.Trp231LeufsX11) was also detected in this case which was diagnostic for multiple sulfatase deficiency (Al-Kouatly_2021). This report does not provide unequivocal conclusions about association of the variant with Mucopolysaccharidosis Type 1. To our knowledge, no experimental evidence demonstrating an impact on protein function has been reported. Two ClinVar submitters (evaluation after 2014) cite the variant as uncertain significance. Based on the evidence outlined above, the variant was classified as uncertain significance.

GeneDx
Classification: Uncertain significance. Last evaluated: 2019-10-16. Review status: criteria provided, single submitter. Criteria: GeneDx Variant Classification Process June 2021. Collection method: clinical testing. Allele origin: germline. Affected: yes.
Comment: Has not been previously published as pathogenic or benign to our knowledge; In silico analysis, which includes protein predictors and evolutionary conservation, supports a deleterious effect; This variant is associated with the following publications: (PMID: 28676128)

Illumina Laboratory Services, Illumina
Classification: Uncertain significance for Mucopolysaccharidosis type 1. Last evaluated: 2018-01-12. Review status: criteria provided, single submitter. Criteria: ICSL Variant Classification Criteria 13 December 2019. Collection method: clinical testing. Allele origin: germline.

Natera, Inc.
Classification: Uncertain significance for Mucopolysaccharidosis type I. Last evaluated: 2020-04-15. Review status: no assertion criteria provided. Collection method: clinical testing. Allele origin: germline. Not counted in ClinVar's aggregate classification.

Literature cited by the submitters: PubMed 33073008 (cited by Labcorp Genetics (formerly Invitae), Labcorp and Johns Hopkins Genomics, Johns Hopkins University); PubMed 37895187 (cited by Labcorp Genetics (formerly Invitae), Labcorp); PubMed 33686258 (cited by Johns Hopkins Genomics, Johns Hopkins University and Women's Health and Genetics/Laboratory Corporation of America, LabCorp); PubMed 35005816 (cited by Johns Hopkins Genomics, Johns Hopkins University); PubMed 37516270 (cited by Johns Hopkins Genomics, Johns Hopkins University); PubMed 28676128 (cited by Women's Health and Genetics/Laboratory Corporation of America, LabCorp); PubMed 31341245 (cited by Women's Health and Genetics/Laboratory Corporation of America, LabCorp).